The following is an entry in ClinVar:

NM_004385.5(VCAN):c.5483C>A (p.Pro1828His)

Genes: VCAN (versican; plus strand), VCAN-AS1 (VCAN antisense RNA 1; minus strand). Cytogenetic location: 5q14.3.
Variant type: single nucleotide variant.
Coding change: c.5483C>A on transcript NM_004385.5 (MANE Select); coding-DNA position 5483, C replaced by A.
Protein change: p.Pro1828His; replaces proline 1828 with histidine.
Molecular consequence: missense variant. On other transcripts: intron variant (2).
Genome position (GRCh38, 1-based): chr5:83,538,486, C>A. VCF-style: chr5-83538486-C-A. GRCh37 (hg19) VCF-style: chr5-82834305-C-A.
Other names: c.4004-7051C>A (NM_001164098.2); c.1043-7051C>A (NM_001126336.3); c.2522C>A, p.Pro841His (NM_001164097.2); short protein forms P1828H, P841H.
Identifiers: ClinVar variation 3660248 (VCV003660248.2).
Genomic context (GRCh38, chr5:83,538,486, plus strand): 5'-AGCACAGCAGTATCCATCAACCTGGGGTTCAGGAAGGGCTGACCACTCTCCCACGTAGTC[C>A]TGCCTCTGTCTTTATGGAGCAGGGCTCTGGAGAAGCTGCTGCCGACCCAGAAACCACCAC-3'
Protein context (NP_004376.2, residues 1818-1838): QEGLTTLPRS[Pro1828His]ASVFMEQGSG

ClinVar aggregate classification (germline): Uncertain significance (1 of 4 stars; one submission).

Submission:

Labcorp Genetics (formerly Invitae), Labcorp
Classification: Uncertain significance. Last evaluated: 2024-08-01. Review status: criteria provided, single submitter. Criteria: Invitae Variant Classification Sherloc (09022015). Collection method: clinical testing. Allele origin: germline.
Comment: This sequence change replaces proline, which is neutral and non-polar, with histidine, which is basic and polar, at codon 1828 of the VCAN protein (p.Pro1828His). This variant is not present in population databases (gnomAD no frequency). This variant has not been reported in the literature in individuals affected with VCAN-related conditions. An algorithm developed to predict the effect of missense changes on protein structure and function (PolyPhen-2) suggests that this variant is likely to be disruptive. In summary, the available evidence is currently insufficient to determine the role of this variant in disease. Therefore, it has been classified as a Variant of Uncertain Significance.